The following is an entry in ClinVar:

NM_000465.4(BARD1):c.159-16del

Gene: BARD1 (BRCA1 associated RING domain 1; minus strand). Cytogenetic location: 2q35.
Variant type: Deletion.
Coding change: c.159-16del on transcript NM_000465.4 (MANE Select); 16 bases into the intron before coding-DNA position 159, one base deleted (T; older notation c.159-16delT).
Molecular consequence: intron variant.
Genome position (GRCh38, 1-based): chr2:214,797,133, A deleted on the plus strand (T on the coding strand, the reverse complement: BARD1 is on the minus strand); the first of 4 consecutive A bases (chr2:214,797,133-214,797,136); deleting any one gives the same sequence. VCF-style (leftmost placement, unchanged base first): chr2-214797132-TA-T. GRCh37 (hg19) VCF-style: chr2-215661856-TA-T.
Other names: c.158+12279del (NM_001282548.2); c.159-4688del (NM_001282543.2); c.159-16del (NM_001282545.2, NM_001282549.2).
Identifiers: ClinVar variation 3378947 (VCV003378947.1).

ClinVar aggregate classification (germline): Likely benign (1 of 4 stars; one submission).

Conditions:
Familial cancer of breast. Also called: hereditary breast carcinoma; Hereditary breast cancer; BREAST CANCER, FAMILIAL. Identifiers: Orphanet 227535, MedGen C0346153, MONDO:0016419, OMIM 114480. Disease mechanism: loss of function.

Submission:

Myriad Genetics, Inc.
Classification: Likely benign for Familial cancer of breast. Last evaluated: 2024-07-18. Review status: criteria provided, single submitter. Criteria: Myriad Autosomal Dominant, Autosomal Recessive and X-Linked Classification Criteria (2023). Collection method: clinical testing. Allele origin: unknown.
Comment: This variant is considered likely benign. This variant is intronic and is not expected to impact mRNA splicing.